The following is an entry in ClinVar:

NM_005219.5(DIAPH1):c.722T>G (p.Ile241Ser)

Gene: DIAPH1 (diaphanous related formin 1; minus strand). Cytogenetic location: 5q31.3.
Variant type: single nucleotide variant.
Coding change: c.722T>G on transcript NM_005219.5 (MANE Select); coding-DNA position 722, T replaced by G.
Protein change: p.Ile241Ser; replaces isoleucine 241 with serine.
Molecular consequence: missense variant.
Genome position (GRCh38, 1-based): chr5:141,580,846, A>C on the plus strand (T>G on the coding strand, the complement: DIAPH1 is on the minus strand). VCF-style: chr5-141580846-A-C. GRCh37 (hg19) VCF-style: chr5-140960413-A-C.
Other names: c.695T>G, p.Ile232Ser (NM_001079812.3); c.722T>G, p.Ile241Ser (NM_001314007.2); short protein forms I232S, I241S.
Identifiers: ClinVar variation 3757303 (VCV003757303.2).

ClinVar aggregate classification (germline): Uncertain significance (1 of 4 stars; one submission).

Conditions:
Autosomal dominant nonsyndromic hearing loss 1. Also called: KONIGSMARK SYNDROME; DEAFNESS, AUTOSOMAL DOMINANT 1, WITH OR WITHOUT THROMBOCYTOPENIA. Identifiers: Orphanet 90635, MedGen C1852282, MONDO:0007424, OMIM 124900.
Progressive microcephaly-seizures-cortical blindness-developmental delay syndrome. Also called: Seizures, cortical blindness, and microcephaly syndrome. Identifiers: Orphanet 477814, MedGen C5567650, MONDO:0014714, OMIM 616632.

Submission:

Labcorp Genetics (formerly Invitae), Labcorp
Classification: Uncertain significance for Progressive microcephaly-seizures-cortical blindness-developmental delay syndrome; Autosomal dominant nonsyndromic hearing loss 1. Last evaluated: 2024-07-19. Review status: criteria provided, single submitter. Criteria: Invitae Variant Classification Sherloc (09022015). Collection method: clinical testing. Allele origin: germline.
Comment: This sequence change replaces isoleucine, which is neutral and non-polar, with serine, which is neutral and polar, at codon 241 of the DIAPH1 protein (p.Ile241Ser). This variant is not present in population databases (gnomAD no frequency). This variant has not been reported in the literature in individuals affected with DIAPH1-related conditions. Experimental studies and prediction algorithms are not available or were not evaluated, and the functional significance of this variant is currently unknown. In summary, the available evidence is currently insufficient to determine the role of this variant in disease. Therefore, it has been classified as a Variant of Uncertain Significance.